The following is an entry in ClinVar:

NM_000363.5(TNNI3):c.248T>C (p.Leu83Pro)

Gene: TNNI3 (troponin I3, cardiac type; minus strand). Cytogenetic location: 19q13.42.
Variant type: single nucleotide variant.
Coding change: c.248T>C on transcript NM_000363.5 (MANE Select); coding-DNA position 248, T replaced by C.
Protein change: p.Leu83Pro; replaces leucine 83 with proline.
Molecular consequence: missense variant.
Genome position (GRCh38, 1-based): chr19:55,156,235, A>G on the plus strand (T>C on the coding strand, the complement: TNNI3 is on the minus strand). VCF-style: chr19-55156235-A-G. GRCh37 (hg19) VCF-style: chr19-55667603-A-G.
Other names: short protein forms L83P.
Identifiers: ClinVar variation 3327651 (VCV003327651.1).

ClinVar aggregate classification (germline): Uncertain significance (1 of 4 stars; one submission).

Conditions:
Cardiovascular phenotype. Identifiers: MedGen CN230736.

Submission:

Ambry Genetics
Classification: Uncertain significance for Cardiovascular phenotype. Last evaluated: 2024-03-28. Review status: criteria provided, single submitter. Criteria: Ambry Variant Classification Scheme 2023. Collection method: clinical testing. Allele origin: germline.
Comment: The p.L83P variant (also known as c.248T>C), located in coding exon 5 of the TNNI3 gene, results from a T to C substitution at nucleotide position 248. The leucine at codon 83 is replaced by proline, an amino acid with similar properties. This variant was reported in an individual with features consistent with hypertrophic cardiomyopathy (Sepp R et al. Diagnostics (Basel), 2022 May;12). This amino acid position is well conserved in available vertebrate species. In addition, the in silico prediction for this alteration is inconclusive. Based on the available evidence, the clinical significance of this alteration remains unclear.

Literature cited by the submitters: PubMed 35626289.